The following is an entry in ClinVar:

NM_033118.4(MYLK2):c.443A>T (p.His148Leu)

Gene: MYLK2 (myosin light chain kinase 2; plus strand). Cytogenetic location: 20q11.21.
Variant type: single nucleotide variant.
Coding change: c.443A>T on transcript NM_033118.4 (MANE Select); coding-DNA position 443, A replaced by T.
Protein change: p.His148Leu; replaces histidine 148 with leucine.
Molecular consequence: missense variant.
Genome position (GRCh38, 1-based): chr20:31,820,516, A>T. VCF-style: chr20-31820516-A-T. GRCh37 (hg19) VCF-style: chr20-30408319-A-T.
Other names: short protein forms H148L.
Identifiers: ClinVar variation 1740609 (VCV001740609.2), dbSNP rs1449171151, ClinGen allele CA408525607.
Genomic context (GRCh38, chr20:31,820,516, plus strand): 5'-TGGGCAAGAAGGCAGCAGAGGGCCAAGCAGCAGCCAGGAGGGGCTCACCTGCCTTTCTGC[A>T]TAGCCCCAGCTGTCCTGCCATCATCTCCAGGTGAATATCCCCTCCTGGGAGTGGGGAGGG-3'
Protein context (NP_149109.1, residues 138-158): AARRGSPAFL[His148Leu]SPSCPAIISS

ClinVar aggregate classification (germline): Uncertain significance (1 of 4 stars; one submission).

Submission:

Ambry Genetics
Classification: Uncertain significance. Last evaluated: 2022-03-04. Review status: criteria provided, single submitter. Criteria: Ambry Variant Classification Scheme 2023. Collection method: clinical testing. Allele origin: germline.
Comment: The p.H148L variant (also known as c.443A>T), located in coding exon 2 of the MYLK2 gene, results from an A to T substitution at nucleotide position 443. The histidine at codon 148 is replaced by leucine, an amino acid with similar properties. This amino acid position is conserved. In addition, the in silico prediction for this alteration is inconclusive. Since supporting evidence is limited at this time, the clinical significance of this alteration remains unclear.